The following is an entry in ClinVar:

NM_004289.7(NFE2L3):c.1418G>C (p.Ser473Thr)

Genes: HNRNPA2B1 (heterogeneous nuclear ribonucleoprotein A2/B1; minus strand), NFE2L3 (NFE2 like bZIP transcription factor 3; plus strand). Cytogenetic location: 7p15.2.
Variant type: single nucleotide variant.
Coding change: c.1418G>C on transcript NM_004289.7 (MANE Select); coding-DNA position 1418, G replaced by C.
Protein change: p.Ser473Thr; replaces serine 473 with threonine.
Molecular consequence: missense variant.
Genome position (GRCh38, 1-based): chr7:26,185,116, G>C. VCF-style: chr7-26185116-G-C. GRCh37 (hg19) VCF-style: chr7-26224736-G-C.
Other names: short protein forms S473T.
Identifiers: ClinVar variation 2657355 (VCV002657355.24), dbSNP rs148970492, ClinGen allele CA4194038.

ClinVar aggregate classification (germline): Likely benign (1 of 4 stars; one submission).

Allele frequency attached by ClinVar (database versions not stated): 1000 Genomes Project 30x 0.00078; 1000 Genomes Project 0.00100; ESP Exome Variant Server 0.00277.

Submission:

CeGaT Center for Human Genetics Tuebingen
Classification: Likely benign. Last evaluated: 2025-11-01. Review status: criteria provided, single submitter. Criteria: CeGaT Center For Human Genetics Tuebingen Variant Classification Criteria Version 2. Collection method: clinical testing. Allele origin: germline. Affected: yes. Observed: 2 variant alleles.
Comment: HNRNPA2B1: BS1; NFE2L3: BP4, BS1